The following is an entry in ClinVar:

NM_016222.4(DDX41):c.577C>G (p.Leu193Val)

Gene: DDX41 (DEAD-box helicase 41; minus strand). Cytogenetic location: 5q35.3.
Variant type: single nucleotide variant.
Coding change: c.577C>G on transcript NM_016222.4 (MANE Select); coding-DNA position 577, C replaced by G.
Protein change: p.Leu193Val; replaces leucine 193 with valine.
Molecular consequence: missense variant.
Genome position (GRCh38, 1-based): chr5:177,515,253, G>C on the plus strand (C>G on the coding strand, the complement: DDX41 is on the minus strand). VCF-style: chr5-177515253-G-C. GRCh37 (hg19) VCF-style: chr5-176942254-G-C.
Other names: c.577C>G (NM_016222.2); c.199C>G, p.Leu67Val (NM_001321732.2, NM_001321830.2); short protein forms L193V, L67V.
Identifiers: ClinVar variation 2082377 (VCV002082377.6), dbSNP rs1004241531, ClinGen allele CA132892798.
Genomic context (GRCh38, chr5:177,515,253, plus strand): 5'-GGATGCCCTGGATCTGAATGGGTGTTGGGTGGTGAATGCCTTTCTTCTTCAGGCCTCTCA[G>C]GATGGCTATGAAAACCAACCGACATCGTCTTCATGACTCACAGGTACTTTCTCAGAGCCC-3'
Protein context (NP_057306.2, residues 183-203): FKEMKFPAAI[Leu193Val]RGLKKKGIHH

ClinVar aggregate classification (germline): Uncertain significance. Review status: criteria provided, multiple submitters, no conflicts (2 of 4 stars). 3 submissions from 3 submitters: Uncertain significance (3). Last evaluated 2025-04-10.

Conditions:
Inborn genetic diseases. Identifiers: MedGen C0950123, MeSH D030342.
DDX41-related hematologic malignancy predisposition syndrome. Also called: DDX41-Associated Familial Myelodysplastic Syndrome and Acute Myeloid Leukemia; Myeloproliferative/lymphoproliferative neoplasms, familial (multiple types), susceptibility to. Identifiers: Orphanet 488647, MedGen C4225174, MONDO:0014809, OMIM 616871.

Allele frequency attached by ClinVar (database versions not stated): TOPMed 0.00001; gnomAD exomes below 0.00001; gnomAD 0.00001.
gnomAD v4.1: 6 of 1,613,892 alleles (0.00037%); highest among the groups gnomAD compares: Middle Eastern, 0.016%; no homozygotes.

Submissions (3):

Labcorp Genetics (formerly Invitae), Labcorp
Classification: Uncertain significance. Last evaluated: 2025-04-10. Review status: criteria provided, single submitter. Criteria: Invitae Variant Classification Sherloc (09022015). Collection method: clinical testing. Allele origin: germline.
Comment: This sequence change replaces leucine, which is neutral and non-polar, with valine, which is neutral and non-polar, at codon 193 of the DDX41 protein (p.Leu193Val). This variant is present in population databases (no rsID available, gnomAD 0.003%). This variant has not been reported in the literature in individuals affected with DDX41-related conditions. ClinVar contains an entry for this variant (Variation ID: 2082377). An algorithm developed to predict the effect of missense changes on protein structure and function (PolyPhen-2) suggests that this variant is likely to be tolerated. In summary, the available evidence is currently insufficient to determine the role of this variant in disease. Therefore, it has been classified as a Variant of Uncertain Significance.

Ambry Genetics
Classification: Uncertain significance for Inborn genetic diseases. Last evaluated: 2025-04-02. Review status: criteria provided, single submitter. Criteria: Ambry Variant Classification Scheme 2023. Collection method: clinical testing. Allele origin: germline.
Comment: The p.L193V variant (also known as c.577C>G), located in coding exon 7 of the DDX41 gene, results from a C to G substitution at nucleotide position 577. The leucine at codon 193 is replaced by valine, an amino acid with highly similar properties. This variant has been identified in cohorts of individuals with acute myeloid leukemia (Yang F et al. Blood, 2022 Feb;139:1208-1221; Maierhofer A et al. Blood Adv, 2023 Dec;7:7346-7357). This amino acid position is highly conserved in available vertebrate species. In addition, this alteration is predicted to be tolerated by in silico analysis. Based on the available evidence, the clinical significance of this variant remains unclear.

Baylor Genetics
Classification: Uncertain significance for DDX41-related hematologic malignancy predisposition syndrome. Last evaluated: 2023-06-16. Review status: criteria provided, single submitter. Criteria: ACMG Guidelines, 2015. Collection method: clinical testing. Allele origin: unknown.

Literature cited by the submitters: PubMed 34482403 (cited by Ambry Genetics); PubMed 37874914 (cited by Ambry Genetics).